The following is an entry in ClinVar:

NM_001256627.2(BRSK2):c.1377G>A (p.Thr459=)

Gene: BRSK2 (BR serine/threonine kinase 2; plus strand). Cytogenetic location: 11p15.5.
Variant type: single nucleotide variant.
Coding change: c.1377G>A on transcript NM_001256627.2 (MANE Select); coding-DNA position 1377, G replaced by A.
Protein change: p.Thr459=; no amino-acid change (threonine 459 retained).
Molecular consequence: synonymous variant. On other transcripts: non-coding transcript variant (1).
Genome position (GRCh38, 1-based): chr11:1,450,676, G>A. VCF-style: chr11-1450676-G-A. GRCh37 (hg19) VCF-style: chr11-1471906-G-A.
Other names: c.1377G>A, p.Thr459= (NM_001256629.2, NM_003957.4); c.1515G>A, p.Thr505= (NM_001256630.1); c.1197G>A, p.Thr399= (NM_001282218.2); c.1377G>A (NM_001256627.1).
Identifiers: ClinVar variation 1694585 (VCV001694585.32), dbSNP rs144438382, ClinGen allele CA5811031.

ClinVar aggregate classification (germline): Benign. Review status: criteria provided, single submitter (1 of 4 stars). 2 submissions from 2 submitters: Benign (1). 1 of the submissions does not count toward it. Last evaluated 2026-08-01.

Conditions:
BRSK2-related disorder. Also called: BRSK2-related condition; BRSK2-Related Disorders.

Allele frequency attached by ClinVar (database versions not stated): 1000 Genomes Project 30x 0.00250; 1000 Genomes Project 0.00300; TOPMed 0.00335; ESP Exome Variant Server 0.00489; gnomAD 0.00490 and 0.00499; gnomAD exomes 0.00567 and 0.00596; ExAC 0.00678.
gnomAD v4.1: 9,364 of 1,608,902 alleles (0.58%); highest among the groups gnomAD compares: Non-Finnish European, 0.66%; 39 homozygotes.

Submissions (2):

CeGaT Center for Human Genetics Tuebingen
Classification: Benign. Last evaluated: 2026-08-01. Review status: criteria provided, single submitter. Criteria: CeGaT Center For Human Genetics Tuebingen Variant Classification Criteria Version 2. Collection method: clinical testing. Allele origin: germline. Affected: yes. Observed: 22 variant alleles.
Comment: BRSK2: BP4, BP7, BS1, BS2

PreventionGenetics, part of Exact Sciences
Classification: Benign for BRSK2-related condition. Last evaluated: 2021-04-19. Review status: no assertion criteria provided. Collection method: clinical testing. Allele origin: germline. Not counted in ClinVar's aggregate classification.
Comment: This variant is classified as benign based on ACMG/AMP sequence variant interpretation guidelines (Richards et al. 2015 PMID: 25741868, with internal and published modifications).